The following is an entry in ClinVar:

ClinVar aggregate classification (germline): Pathogenic. Review status: criteria provided, multiple submitters, no conflicts (2 of 4 stars). 2 submissions from 2 submitters: Pathogenic (2). Last evaluated 2023-11-20.

Conditions:
Ataxia-telangiectasia syndrome (AT). Also called: Ataxia-telangiectasia, complementation group D; AT, COMPLEMENTATION GROUP C; Ataxia telangiectasia (A-T); Cerebello-oculocutaneous telangiectasia; Immunodeficiency with ataxia telangiectasia; ATAXIA-TELANGIECTASIA, COMPLEMENTATION GROUP A. Identifiers: Orphanet 100, MedGen C0004135, MONDO:0008840, OMIM 208900.
Hereditary cancer-predisposing syndrome. Also called: Neoplastic Syndromes, Hereditary; Hereditary neoplastic syndrome; Tumor predisposition; Hereditary Cancer Syndrome. Identifiers: Orphanet 140162, MedGen C0027672, MeSH D009386, MONDO:0015356.

Submissions (2):

Ambry Genetics
Classification: Pathogenic for Hereditary cancer-predisposing syndrome. Last evaluated: 2023-11-20. Review status: criteria provided, single submitter. Criteria: Ambry Variant Classification Scheme 2023. Collection method: clinical testing. Allele origin: germline.
Comment: The c.4669delA pathogenic mutation, located in coding exon 30 of the ATM gene, results from a deletion of one nucleotide at nucleotide position 4669, causing a translational frameshift with a predicted alternate stop codon (p.I1557Sfs*6). This variant is considered to be rare based on population cohorts in the Genome Aggregation Database (gnomAD). This alteration is expected to result in loss of function by premature protein truncation or nonsense-mediated mRNA decay. As such, this alteration is interpreted as a disease-causing mutation.

Labcorp Genetics (formerly Invitae), Labcorp
Classification: Pathogenic for Ataxia-telangiectasia syndrome. Last evaluated: 2018-10-03. Review status: criteria provided, single submitter. Criteria: Invitae Variant Classification Sherloc (09022015). Collection method: clinical testing. Allele origin: germline.
Comment: For these reasons, this variant has been classified as Pathogenic. Loss-of-function variants in ATM are known to be pathogenic (PMID: 23807571, 25614872). This variant has not been reported in the literature in individuals with ATM-related disease. This variant is not present in population databases (ExAC no frequency). This sequence change creates a premature translational stop signal (p.Ile1557Serfs*6) in the ATM gene. It is expected to result in an absent or disrupted protein product.

Literature cited by the submitters: PubMed 23807571 (cited by Labcorp Genetics (formerly Invitae), Labcorp); PubMed 25614872 (cited by Labcorp Genetics (formerly Invitae), Labcorp).

NM_000051.4(ATM):c.4669del (p.Ile1557fs)

Gene: ATM (ATM serine/threonine kinase; plus strand). Cytogenetic location: 11q22.3.
Variant type: Deletion.
Coding change: c.4669del on transcript NM_000051.4 (MANE Select); coding-DNA position 4669, one base deleted (A; older notation c.4669delA).
Protein change: p.Ile1557fs; shifts the reading frame from isoleucine 1557.
Molecular consequence: frameshift variant.
Genome position (GRCh38, 1-based): chr11:108,293,370, A deleted. VCF-style (leftmost placement, unchanged base first): chr11-108293369-TA-T. GRCh37 (hg19) VCF-style: chr11-108164096-TA-T.
Other names: c.4669delA (NM_000051.3); c.4669del, p.Ile1557fs (NM_001351834.2); short protein forms I1557fs.
Identifiers: ClinVar variation 663448 (VCV000663448.7), dbSNP rs1591677254, ClinGen allele CA915944426.
Genomic context (GRCh38, chr11:108,293,369, plus strand): 5'-TTAGGTATTGGACTTGTTGAAATACTTAGTGATAGATAACAAGGATAATGAAAACCTCTA[TA>T]TCACGATTAAGCTTTTAGATCCTTTTCCTGACCATGTTGTTTTTAAGGATTTGCGTATTA-3'